The following is an entry in ClinVar:

NM_001382347.1(MYO5A):c.46C>G (p.Pro16Ala)

Gene: MYO5A (myosin VA; minus strand). Cytogenetic location: 15q21.2.
Variant type: single nucleotide variant.
Coding change: c.46C>G on transcript NM_001382347.1 (MANE Select); coding-DNA position 46, C replaced by G.
Protein change: p.Pro16Ala; replaces proline 16 with alanine.
Molecular consequence: missense variant.
Genome position (GRCh38, 1-based): chr15:52,433,267, G>C on the plus strand (C>G on the coding strand, the complement: MYO5A is on the minus strand). VCF-style: chr15-52433267-G-C. GRCh37 (hg19) VCF-style: chr15-52725464-G-C.
Other names: c.46C>G, p.Pro16Ala (NM_000259.3, NM_001142495.2, NM_001411135.1); c.118C>G, p.Pro40Ala (NM_001382348.1, NM_001382349.1); short protein forms P16A, P40A.
Identifiers: ClinVar variation 4860656 (VCV004860656.1).

ClinVar aggregate classification (germline): Uncertain significance (1 of 4 stars; one submission).

Conditions:
Inborn genetic diseases. Identifiers: MedGen C0950123, MeSH D030342.

gnomAD v4.1: 45 of 1,613,062 alleles (0.0028%); highest among the groups gnomAD compares: African/African-American, 0.004%; no homozygotes.

Submission:

Ambry Genetics
Classification: Uncertain significance for Inborn genetic diseases. Last evaluated: 2026-04-27. Review status: criteria provided, single submitter. Criteria: Ambry Variant Classification Scheme 2023. Collection method: clinical testing. Allele origin: germline.
Comment: The c.46C>G (p.P16A) alteration is located in exon 2 (coding exon 2) of the MYO5A gene. This alteration results from a C to G substitution at nucleotide position 46, causing the proline (P) at amino acid position 16 to be replaced by an alanine (A). Based on data from gnomAD, the G allele has an overall frequency of 0.004% (9/248110) total alleles studied. The highest observed frequency was 0.008% (9/112220) of European (non-Finnish) alleles. Based on insufficient or conflicting evidence, the clinical significance of this alteration remains unclear.